The following is an entry in ClinVar:

NM_001378414.1(HDAC4):c.617C>T (p.Thr206Met)

Gene: HDAC4 (histone deacetylase 4; minus strand). Cytogenetic location: 2q37.3.
Variant type: single nucleotide variant.
Coding change: c.617C>T on transcript NM_001378414.1 (MANE Select); coding-DNA position 617, C replaced by T.
Protein change: p.Thr206Met; replaces threonine 206 with methionine.
Molecular consequence: missense variant.
Genome position (GRCh38, 1-based): chr2:239,156,768, G>A on the plus strand (C>T on the coding strand, the complement: HDAC4 is on the minus strand). VCF-style: chr2-239156768-G-A. GRCh37 (hg19) VCF-style: chr2-240078464-G-A.
Other names: c.617C>T, p.Thr206Met (NM_001378415.1, NM_001378416.1, NM_001378417.1 and 1 more transcripts); short protein forms T206M.
Identifiers: ClinVar variation 452040 (VCV000452040.3), dbSNP rs1232273029, ClinGen allele CA351271821.

ClinVar aggregate classification (germline): Uncertain significance (1 of 4 stars; one submission).

gnomAD v4.1: 4 of 1,614,096 alleles (0.00025%); highest among the groups gnomAD compares: Non-Finnish European, 0.00025%; no homozygotes.

Submission:

GeneDx
Classification: Uncertain significance. Last evaluated: 2024-06-10. Review status: criteria provided, single submitter. Criteria: GeneDx Variant Classification Process June 2021. Collection method: clinical testing. Allele origin: germline. Affected: yes.
Comment: Not observed at significant frequency in large population cohorts (gnomAD); In silico analysis indicates that this missense variant does not alter protein structure/function; Has not been previously published as pathogenic or benign to our knowledge